The following is an entry in ClinVar:

ClinVar aggregate classification (germline): Uncertain significance. Review status: criteria provided, multiple submitters, no conflicts (2 of 4 stars). 2 submissions from 2 submitters: Uncertain significance (2). Last evaluated 2025-02-07.

Conditions:
Birt-Hogg-Dube syndrome. Also called: Birt Hogg Dubé syndrome. Identifiers: Orphanet 122, MedGen C0346010, MONDO:0800444.
Hereditary cancer-predisposing syndrome. Also called: Neoplastic Syndromes, Hereditary; Tumor predisposition; Hereditary neoplastic syndrome; Hereditary Cancer Syndrome. Identifiers: Orphanet 140162, MedGen C0027672, MeSH D009386, MONDO:0015356.

gnomAD v4.1: 1 of 1,614,158 alleles (0.000062%); highest among the groups gnomAD compares: Non-Finnish European, 0.000085%; no homozygotes.

Submissions (2):

Ambry Genetics
Classification: Uncertain significance for Hereditary cancer-predisposing syndrome. Last evaluated: 2025-02-07. Review status: criteria provided, single submitter. Criteria: Ambry Variant Classification Scheme 2023. Collection method: clinical testing. Allele origin: germline.
Comment: The p.P93R variant (also known as c.278C>G), located in coding exon 2 of the FLCN gene, results from a C to G substitution at nucleotide position 278. The proline at codon 93 is replaced by arginine, an amino acid with dissimilar properties. This amino acid position is highly conserved in available vertebrate species. In addition, this alteration is predicted to be deleterious by in silico analysis. Based on the available evidence, the clinical significance of this variant remains unclear.

Labcorp Genetics (formerly Invitae), Labcorp
Classification: Uncertain significance for Birt-Hogg-Dube syndrome. Last evaluated: 2023-05-27. Review status: criteria provided, single submitter. Criteria: Invitae Variant Classification Sherloc (09022015). Collection method: clinical testing. Allele origin: germline.
Comment: This variant has not been reported in the literature in individuals affected with FLCN-related conditions. ClinVar contains an entry for this variant (Variation ID: 1796015). Advanced modeling of protein sequence and biophysical properties (such as structural, functional, and spatial information, amino acid conservation, physicochemical variation, residue mobility, and thermodynamic stability) performed at Invitae indicates that this missense variant is not expected to disrupt FLCN protein function. In summary, the available evidence is currently insufficient to determine the role of this variant in disease. Therefore, it has been classified as a Variant of Uncertain Significance. This sequence change replaces proline, which is neutral and non-polar, with arginine, which is basic and polar, at codon 93 of the FLCN protein (p.Pro93Arg). This variant is not present in population databases (gnomAD no frequency).

NM_144997.7(FLCN):c.278C>G (p.Pro93Arg)

Gene: FLCN (folliculin; minus strand). Cytogenetic location: 17p11.2.
Variant type: single nucleotide variant.
Coding change: c.278C>G on transcript NM_144997.7 (MANE Select); coding-DNA position 278, C replaced by G.
Protein change: p.Pro93Arg; replaces proline 93 with arginine.
Molecular consequence: missense variant.
Genome position (GRCh38, 1-based): chr17:17,226,294, G>C on the plus strand (C>G on the coding strand, the complement: FLCN is on the minus strand). VCF-style: chr17-17226294-G-C. GRCh37 (hg19) VCF-style: chr17-17129608-G-C.
Other names: c.278C>G, p.Pro93Arg (NM_001353229.2, NM_001353230.2, NM_001353231.2 and 1 more transcripts); short protein forms P93R.
Identifiers: ClinVar variation 1796015 (VCV001796015.6), dbSNP rs766548696, ClinGen allele CA398534944.